The following is an entry in ClinVar:

NM_177438.3(DICER1):c.4509C>T (p.Tyr1503=)

Gene: DICER1 (dicer 1, ribonuclease III; minus strand). Cytogenetic location: 14q32.13.
Variant type: single nucleotide variant.
Coding change: c.4509C>T on transcript NM_177438.3 (MANE Select); coding-DNA position 4509, C replaced by T.
Protein change: p.Tyr1503=; no amino-acid change (tyrosine 1503 retained).
Molecular consequence: synonymous variant.
Genome position (GRCh38, 1-based): chr14:95,096,411, G>A on the plus strand (C>T on the coding strand, the complement: DICER1 is on the minus strand). VCF-style: chr14-95096411-G-A. GRCh37 (hg19) VCF-style: chr14-95562748-G-A.
Other names: c.4509C>T, p.Tyr1503= (NM_001195573.1, NM_001271282.3, NM_001291628.2 and 1 more transcripts).
Identifiers: ClinVar variation 417111 (VCV000417111.43), dbSNP rs755994757, ClinGen allele CA7330836.
Genomic context (GRCh38, chr14:95,096,411, plus strand): 5'-AAAGTCATCTTCTTCAACAGCTTTGCTAGGATCCAGATAGCACATTGCATCCCAAGAGCT[G>A]TAGTCAAAATCCTCAAAATCTGATGAAAATGGCATACTACCTAAGGAGGATTTTTTGGGC-3'
Protein context (NP_803187.1, residues 1493-1513): PFSSDFEDFD[Tyr1503=]SSWDAMCYLD

ClinVar aggregate classification (germline): Benign/Likely benign. Review status: criteria provided, multiple submitters, no conflicts (2 of 4 stars). 6 submissions from 6 submitters: Benign (1); Likely benign (4). 1 of the submissions does not count toward it. Last evaluated 2026-04-20.

Conditions:
DICER1-related disorder. Also called: DICER1-related condition.
DICER1-related tumor predisposition. Also called: DICER1 syndrome; DICER1-related pleuropulmonary blastoma cancer predisposition syndrome. Identifiers: Orphanet 284343, MedGen C3839822, MONDO:0100216.
Hereditary cancer-predisposing syndrome. Also called: Tumor predisposition; Hereditary neoplastic syndrome; Hereditary Cancer Syndrome; Neoplastic Syndromes, Hereditary. Identifiers: Orphanet 140162, MedGen C0027672, MeSH D009386, MONDO:0015356.

Allele frequency attached by ClinVar (database versions not stated): TOPMed below 0.00001; ExAC 0.00001; gnomAD exomes 0.00001.

Submissions (6):

Myriad Genetics, Inc.
Classification: Benign for DICER1-related tumor predisposition. Last evaluated: 2026-04-20. Review status: criteria provided, single submitter. Criteria: Myriad Autosomal Dominant, Autosomal Recessive and X-Linked Classification Criteria (2023). Collection method: clinical testing. Allele origin: unknown.
Comment: This variant is considered benign. This variant is a silent/synonymous amino acid change and it is not expected to impact splicing.

Labcorp Genetics (formerly Invitae), Labcorp
Classification: Likely benign for DICER1-related tumor predisposition. Last evaluated: 2025-05-07. Review status: criteria provided, single submitter. Criteria: Invitae Variant Classification Sherloc (09022015). Collection method: clinical testing. Allele origin: germline.

Blueprint Genetics
Classification: Likely benign. Last evaluated: 2023-01-20. Review status: criteria provided, single submitter. Criteria: ACMG Guidelines, 2015. Collection method: clinical testing. Allele origin: germline.

CeGaT Center for Human Genetics Tuebingen
Classification: Likely benign. Last evaluated: 2022-07-01. Review status: criteria provided, single submitter. Criteria: CeGaT Center For Human Genetics Tuebingen Variant Classification Criteria Version 2. Collection method: clinical testing. Allele origin: germline. Affected: yes. Observed: 1 variant allele.
Comment: DICER1: BP4, BP7

Ambry Genetics
Classification: Likely benign for Hereditary cancer-predisposing syndrome. Last evaluated: 2018-05-02. Review status: criteria provided, single submitter. Criteria: Ambry Variant Classification Scheme 2023. Collection method: clinical testing. Allele origin: germline.

PreventionGenetics, part of Exact Sciences
Classification: Likely benign for DICER1-related condition. Last evaluated: 2021-04-26. Review status: no assertion criteria provided. Collection method: clinical testing. Allele origin: germline. Not counted in ClinVar's aggregate classification.
Comment: This variant is classified as likely benign based on ACMG/AMP sequence variant interpretation guidelines (Richards et al. 2015 PMID: 25741868, with internal and published modifications).